The following is an entry in ClinVar:

ClinVar aggregate classification (germline): Uncertain significance. Review status: criteria provided, multiple submitters, no conflicts (2 of 4 stars). 2 submissions from 2 submitters: Uncertain significance (2). Last evaluated 2025-04-09.

Allele frequency attached by ClinVar (database versions not stated): ExAC 0.00025; gnomAD 0.00015; gnomAD exomes 0.00020; TOPMed 0.00012.
gnomAD v4.1: 299 of 1,586,960 alleles (0.019%); highest among the groups gnomAD compares: Non-Finnish European, 0.023%; no homozygotes.

Submissions (2):

Labcorp Genetics (formerly Invitae), Labcorp
Classification: Uncertain significance. Last evaluated: 2025-04-09. Review status: criteria provided, single submitter. Criteria: Invitae Variant Classification Sherloc (09022015). Collection method: clinical testing. Allele origin: germline.
Comment: This sequence change replaces arginine, which is basic and polar, with histidine, which is basic and polar, at codon 628 of the NLGN2 protein (p.Arg628His). This variant is present in population databases (rs777010584, gnomAD 0.03%). This variant has not been reported in the literature in individuals affected with NLGN2-related conditions. ClinVar contains an entry for this variant (Variation ID: 2373433). An algorithm developed to predict the effect of missense changes on protein structure and function outputs the following: PolyPhen-2: "Benign". The histidine amino acid residue is found in multiple mammalian species, which suggests that this missense change does not adversely affect protein function. In summary, the available evidence is currently insufficient to determine the role of this variant in disease. Therefore, it has been classified as a Variant of Uncertain Significance.

Ambry Genetics
Classification: Uncertain significance. Last evaluated: 2024-10-19. Review status: criteria provided, single submitter. Criteria: Ambry Variant Classification Scheme 2023. Collection method: clinical testing. Allele origin: germline.

NM_020795.4(NLGN2):c.1883G>A (p.Arg628His)

Gene: NLGN2 (neuroligin 2; plus strand). Cytogenetic location: 17p13.1.
Variant type: single nucleotide variant.
Coding change: c.1883G>A on transcript NM_020795.4 (MANE Select); coding-DNA position 1883, G replaced by A.
Protein change: p.Arg628His; replaces arginine 628 with histidine.
Molecular consequence: missense variant.
Genome position (GRCh38, 1-based): chr17:7,417,174, G>A. VCF-style: chr17-7417174-G-A. GRCh37 (hg19) VCF-style: chr17-7320493-G-A.
Other names: short protein forms R628H.
Identifiers: ClinVar variation 2373433 (VCV002373433.5), dbSNP rs777010584, ClinGen allele CA8346155.